The following is an entry in ClinVar:

NM_001384125.1(BLTP1):c.4494C>T (p.Pro1498=)

Gene: BLTP1 (bridge-like lipid transfer protein family member 1; plus strand). Cytogenetic location: 4q27.
Variant type: single nucleotide variant.
Coding change: c.4494C>T on transcript NM_001384125.1 (MANE Select); coding-DNA position 4494, C replaced by T.
Protein change: p.Pro1498=; no amino-acid change (proline 1498 retained).
Molecular consequence: synonymous variant.
Genome position (GRCh38, 1-based): chr4:122,240,176, C>T. VCF-style: chr4-122240176-C-T. GRCh37 (hg19) VCF-style: chr4-123161331-C-T.
Other names: c.4494C>T, p.Pro1498= (NM_015312.4).
Identifiers: ClinVar variation 1294860 (VCV001294860.4), dbSNP rs10023835, ClinGen allele CA3066347.

ClinVar aggregate classification (germline): Benign. Review status: criteria provided, single submitter (1 of 4 stars). 2 submissions from 2 submitters: Benign (1). 1 of the submissions does not count toward it. Last evaluated 2021-05-04.

Conditions:
BLTP1-related disorder. Also called: BLTP1-related condition.

Allele frequency attached by ClinVar (database versions not stated): gnomAD exomes 0.00372 and 0.00975; ExAC 0.01158; gnomAD 0.03624 and 0.03890; ESP Exome Variant Server 0.03765; TOPMed 0.04067; 1000 Genomes Project 0.04073; 1000 Genomes Project 30x 0.04497.
gnomAD v4.1: 11,166 of 1,613,996 alleles (0.69%); highest among the groups gnomAD compares: African/African-American, 13%; 666 homozygotes.

Submissions (2):

GeneDx
Classification: Benign. Last evaluated: 2021-05-04. Review status: criteria provided, single submitter. Criteria: GeneDx Variant Classification Process June 2021. Collection method: clinical testing. Allele origin: germline. Affected: yes.

PreventionGenetics, part of Exact Sciences
Classification: Benign for BLTP1-related condition. Last evaluated: 2019-03-19. Review status: no assertion criteria provided. Collection method: clinical testing. Allele origin: germline. Not counted in ClinVar's aggregate classification.
Comment: This variant is classified as benign based on ACMG/AMP sequence variant interpretation guidelines (Richards et al. 2015 PMID: 25741868, with internal and published modifications).